The following is an entry in ClinVar:

NM_001330574.2(ZNF711):c.1798T>G (p.Ser600Ala)

Gene: ZNF711 (zinc finger protein 711; plus strand). Cytogenetic location: Xq21.1.
Variant type: single nucleotide variant.
Coding change: c.1798T>G on transcript NM_001330574.2 (MANE Select); coding-DNA position 1798, T replaced by G.
Protein change: p.Ser600Ala; replaces serine 600 with alanine.
Molecular consequence: missense variant.
Genome position (GRCh38, 1-based): chrX:85,271,202, T>G. VCF-style: chrX-85271202-T-G. GRCh37 (hg19) VCF-style: chrX-84526208-T-G.
Other names: c.1798T>G, p.Ser600Ala (NM_001375431.1, NM_001375432.1, NM_001375433.1); c.1660T>G, p.Ser554Ala (NM_001375434.1, NM_001375435.1, NM_001375436.1 and 2 more transcripts); short protein forms S554A, S600A.
Identifiers: ClinVar variation 1801189 (VCV001801189.1), dbSNP rs2520409376, ClinGen allele CA413775074.

ClinVar aggregate classification (germline): Uncertain significance (1 of 4 stars; one submission).

Submission:

GeneDx
Classification: Uncertain significance. Last evaluated: 2022-05-25. Review status: criteria provided, single submitter. Criteria: GeneDx Variant Classification Process June 2021. Collection method: clinical testing. Allele origin: germline. Affected: yes.
Comment: Not observed at significant frequency in large population cohorts (gnomAD); In silico analysis supports that this missense variant does not alter protein structure/function; Has not been previously published as pathogenic or benign to our knowledge